The following is an entry in ClinVar:

ClinVar aggregate classification (germline): Uncertain significance. Review status: criteria provided, multiple submitters, no conflicts (2 of 4 stars). 2 submissions from 2 submitters: Uncertain significance (2). Last evaluated 2025-10-09.

Allele frequency attached by ClinVar (database versions not stated): ExAC 0.00002; TOPMed 0.00005; gnomAD 0.00006; ESP Exome Variant Server 0.00015.
gnomAD v4.1: 27 of 1,614,060 alleles (0.0017%); highest among the groups gnomAD compares: African/African-American, 0.033%; no homozygotes.

Submissions (2):

Labcorp Genetics (formerly Invitae), Labcorp
Classification: Uncertain significance. Last evaluated: 2025-10-09. Review status: criteria provided, single submitter. Criteria: Invitae Variant Classification Sherloc (09022015). Collection method: clinical testing. Allele origin: germline.
Comment: This sequence change replaces glutamine, which is neutral and polar, with glutamic acid, which is acidic and polar, at codon 64 of the RFWD3 protein (p.Gln64Glu). This variant is present in population databases (rs373065914, gnomAD 0.02%). This variant has not been reported in the literature in individuals affected with RFWD3-related conditions. ClinVar contains an entry for this variant (Variation ID: 2385678). An algorithm developed to predict the effect of missense changes on protein structure and function outputs the following: PolyPhen-2: "Benign". The glutamic acid amino acid residue is found in multiple mammalian species, which suggests that this missense change does not adversely affect protein function. In summary, the available evidence is currently insufficient to determine the role of this variant in disease. Therefore, it has been classified as a Variant of Uncertain Significance.

Ambry Genetics
Classification: Uncertain significance. Last evaluated: 2021-09-01. Review status: criteria provided, single submitter. Criteria: Ambry Variant Classification Scheme 2023. Collection method: clinical testing. Allele origin: germline.

NM_018124.4(RFWD3):c.190C>G (p.Gln64Glu)

Gene: RFWD3 (ring finger and WD repeat domain 3; minus strand). Cytogenetic location: 16q23.1.
Variant type: single nucleotide variant.
Coding change: c.190C>G on transcript NM_018124.4 (MANE Select); coding-DNA position 190, C replaced by G.
Protein change: p.Gln64Glu; replaces glutamine 64 with glutamic acid.
Molecular consequence: missense variant. On other transcripts: 5 prime UTR variant (4), intron variant (1).
Genome position (GRCh38, 1-based): chr16:74,661,260, G>C on the plus strand (C>G on the coding strand, the complement: RFWD3 is on the minus strand). VCF-style: chr16-74661260-G-C. GRCh37 (hg19) VCF-style: chr16-74695158-G-C.
Other names: c.190C>G, p.Gln64Glu (NM_001370534.1, NM_001370535.1, NM_001370536.1); c.-819C>G (NM_001370537.1); c.-442C>G (NM_001370539.1, NM_001370541.1); c.-696C>G (NM_001370542.1); c.-574C>G (NM_001370543.1); c.-317+3364C>G (NM_001370540.1); short protein forms Q64E.
Identifiers: ClinVar variation 2385678 (VCV002385678.3), dbSNP rs373065914, ClinGen allele CA8169628.
Genomic context (GRCh38, chr16:74,661,260, plus strand): 5'-CCACTTCTGTCAGGTCAACAGACAGTTGCGGAGCAGGCTGGAGCAGGGGTGGTGTCGCTT[G>C]GCTGCTGATCACCTCAGCAGGAGCTGGCTGGAGGATGGATGGTACCCCCTGGCTGCTGAC-3'
Protein context (NP_060594.3, residues 54-74): QPAPAEVISS[Gln64Glu]ATPPLLQPAP